The following is an entry in ClinVar:

ClinVar aggregate classification (germline): Likely pathogenic (1 of 4 stars; one submission).

Conditions:
Hereditary nonpolyposis colorectal neoplasms. Identifiers: MedGen C0009405, MeSH D003123.

Submission:

Labcorp Genetics (formerly Invitae), Labcorp
Classification: Likely pathogenic for Hereditary nonpolyposis colorectal neoplasms. Last evaluated: 2021-12-05. Review status: criteria provided, single submitter. Criteria: Invitae Variant Classification Sherloc (09022015). Collection method: clinical testing. Allele origin: germline.
Comment: This variant results in a copy number gain of the genomic region encompassing exon(s) 11 of the PMS2 gene. While the exact position of this variant cannot be determined from the data, sub-genic copy number gains are generally in tandem (PMID: 25640679). This variant is predicted to be out-of-frame, and may result in an absent or disrupted protein product. Loss-of-function variants in PMS2 are known to be pathogenic (PMID: 21376568, 24362816). A similar copy number variant has been observed in individual(s) with clinical features of hereditary cancer (PMID: 24763289). In summary, the currently available evidence indicates that the variant is pathogenic, but additional data are needed to prove that conclusively. Therefore, this variant has been classified as Likely Pathogenic.

Literature cited by the submitters: PubMed 25640679; PubMed 21376568; PubMed 24362816; PubMed 24763289.

NC_000007.13:g.(?_6026380)_(6027261_?)dup

Gene: PMS2 (PMS1 homolog 2, mismatch repair system component; minus strand). Cytogenetic location: 7p22.1.
Variant type: Duplication.
Identifiers: ClinVar variation 584285 (VCV000584285.4).